The following is an entry in ClinVar:

ClinVar aggregate classification (germline): Pathogenic (1 of 4 stars; one submission).

Conditions:
Nephronophthisis. Also called: Juvenile Nephronophthisis. Identifiers: Orphanet 655, MedGen C0687120, MONDO:0019005, HP:0000090.
Jeune thoracic dystrophy. Also called: Jeune syndrome; Infantile thoracic dystrophy; Thoracic pelvic phalangeal dystrophy; Jeune's syndrome; Chondroectodermal dysplasia-like syndrome; Short-rib thoracic dysplasia. Identifiers: Orphanet 474, MedGen C0265275, MONDO:0018770.

Submission:

Labcorp Genetics (formerly Invitae), Labcorp
Classification: Pathogenic for Jeune thoracic dystrophy; Nephronophthisis. Last evaluated: 2022-04-09. Review status: criteria provided, single submitter. Criteria: Invitae Variant Classification Sherloc (09022015). Collection method: clinical testing. Allele origin: germline.
Comment: This sequence change creates a premature translational stop signal (p.Thr483Asnfs*21) in the TTC21B gene. It is expected to result in an absent or disrupted protein product. Loss-of-function variants in TTC21B are known to be pathogenic (PMID: 18327258, 21068128, 21258341, 23559409, 24876116, 25492405, 27491411, 29068549). This variant is not present in population databases (gnomAD no frequency). This variant has not been reported in the literature in individuals affected with TTC21B-related conditions. For these reasons, this variant has been classified as Pathogenic.

Literature cited by the submitters: PubMed 18327258; PubMed 21068128; PubMed 21258341; PubMed 23559409; PubMed 24876116; PubMed 25492405; PubMed 27491411; PubMed 29068549.

NM_024753.5(TTC21B):c.1448_1458del (p.Thr483fs)

Gene: TTC21B (tetratricopeptide repeat domain 21B; minus strand). Cytogenetic location: 2q24.3.
Variant type: Deletion.
Coding change: c.1448_1458del on transcript NM_024753.5 (MANE Select); coding-DNA positions 1448 to 1458, 11 bases deleted (CTGTAGTAAGA).
Protein change: p.Thr483fs; shifts the reading frame from threonine 483.
Molecular consequence: frameshift variant.
Genome position (GRCh38, 1-based): chr2:165,924,607-165,924,617, TCTTACTACAG deleted on the plus strand (CTGTAGTAAGA on the coding strand, the reverse complement: TTC21B is on the minus strand); deleting any 11 consecutive bases within chr2:165,924,607-165,924,620 gives the same sequence; the c. name uses the placement nearest the transcript's 3' end. VCF-style (leftmost placement, unchanged base first): chr2-165924606-TTCTTACTACAG-T. GRCh37 (hg19) VCF-style: chr2-166781116-TTCTTACTACAG-T.
Other names: short protein forms T483fs.
Identifiers: ClinVar variation 2159303 (VCV002159303.4), dbSNP rs2468197337, ClinGen allele CA2580064244.